The following is an entry in ClinVar:

ClinVar aggregate classification (germline): Uncertain significance. Review status: criteria provided, multiple submitters, no conflicts (2 of 4 stars). 2 submissions from 2 submitters: Uncertain significance (2). Last evaluated 2026-05-01.

Conditions:
Danon disease. Also called: ANTOPOL DISEASE; PSEUDOGLYCOGENOSIS II; GSD IIb; LYSOSOMAL GLYCOGEN STORAGE DISEASE WITHOUT ACID MALTASE DEFICIENCY; Glycogen Storage Disease Type IIb. Identifiers: Orphanet 34587, MedGen C0878677, MONDO:0010281, OMIM 300257.

Allele frequency attached by ClinVar (database versions not stated): gnomAD exomes 0.00001.
gnomAD v4.1: 11 of 1,207,047 alleles (0.00091%); highest among the groups gnomAD compares: South Asian, 0.018%; no homozygotes.

Submissions (2):

Women's Health and Genetics/Laboratory Corporation of America, LabCorp
Classification: Uncertain significance. Last evaluated: 2026-05-01. Review status: criteria provided, single submitter. Criteria: LabCorp Variant Classification Summary - May 2015. Collection method: clinical testing. Allele origin: germline.
Comment: Variant summary: LAMP2 c.739A>G (p.Lys247Glu) results in a conservative amino acid change in the encoded protein sequence. Algorithms developed to predict the effect of missense changes on protein structure and function are either unavailable or do not agree on the potential impact of this missense change. Several computational tools predict a significant impact on normal splicing: One predicts the variant weakens a 5' splicing donor site. Two predict the variant abolishes a 5' splicing donor site. However, these predictions have yet to be confirmed by functional studies. The variant allele was found at a frequency of 1.6e-05 in 183225 control chromosomes. The available data on variant occurrences in the general population are insufficient to allow any conclusion about variant significance. c.739A>G has been observed in an individual from a hypertrophic cardiomyopathy cohort (Harikrishnan_2024). This report does not provide unequivocal conclusions about association of the variant with LAMP2-related conditions. To our knowledge, no experimental evidence demonstrating an impact on protein function has been reported. The following publication has been ascertained in the context of this evaluation (PMID: 38880420). ClinVar contains an entry for this variant (Variation ID: 2201079). Based on the evidence outlined above, the variant was classified as uncertain significance.

Labcorp Genetics (formerly Invitae), Labcorp
Classification: Uncertain significance for Danon disease. Last evaluated: 2022-06-13. Review status: criteria provided, single submitter. Criteria: Invitae Variant Classification Sherloc (09022015). Collection method: clinical testing. Allele origin: germline.
Comment: In summary, the available evidence is currently insufficient to determine the role of this variant in disease. Therefore, it has been classified as a Variant of Uncertain Significance. Algorithms developed to predict the effect of missense changes on protein structure and function are either unavailable or do not agree on the potential impact of this missense change (SIFT: "Tolerated"; PolyPhen-2: "Possibly Damaging"; Align-GVGD: "Class C0"). This variant has not been reported in the literature in individuals affected with LAMP2-related conditions. This variant is present in population databases (no rsID available, gnomAD 0.02%), including at least one homozygous and/or hemizygous individual. This sequence change replaces lysine, which is basic and polar, with glutamic acid, which is acidic and polar, at codon 247 of the LAMP2 protein (p.Lys247Glu).

Literature cited by the submitters: PubMed 38880420 (cited by Women's Health and Genetics/Laboratory Corporation of America, LabCorp).

NM_002294.3(LAMP2):c.739A>G (p.Lys247Glu)

Gene: LAMP2 (lysosome associated membrane protein 2; minus strand). Cytogenetic location: Xq24.
Variant type: single nucleotide variant.
Coding change: c.739A>G on transcript NM_002294.3 (MANE Select); coding-DNA position 739, A replaced by G.
Protein change: p.Lys247Glu; replaces lysine 247 with glutamic acid.
Molecular consequence: missense variant.
Genome position (GRCh38, 1-based): chrX:120,447,843, T>C on the plus strand (A>G on the coding strand, the complement: LAMP2 is on the minus strand). VCF-style: chrX-120447843-T-C. GRCh37 (hg19) VCF-style: chrX-119581698-T-C.
Other names: c.739A>G, p.Lys247Glu (NM_001122606.1, NM_013995.2); short protein forms K247E.
Identifiers: ClinVar variation 2201079 (VCV002201079.5), dbSNP rs1400094556, ClinGen allele CA414401148.